The following is an entry in ClinVar:

NM_015015.3(KDM4B):c.1664C>T (p.Ala555Val)

Genes: KDM4B (lysine demethylase 4B; plus strand), LOC130063244 (ATAC-STARR-seq lymphoblastoid active region 13796; plus strand). Cytogenetic location: 19p13.3.
Variant type: single nucleotide variant.
Coding change: c.1664C>T on transcript NM_015015.3 (MANE Select); coding-DNA position 1664, C replaced by T.
Protein change: p.Ala555Val; replaces alanine 555 with valine.
Molecular consequence: missense variant.
Genome position (GRCh38, 1-based): chr19:5,131,424, C>T. VCF-style: chr19-5131424-C-T. GRCh37 (hg19) VCF-style: chr19-5131435-C-T.
Other names: c.1766C>T, p.Ala589Val (NM_001411148.1); short protein forms A555V, A589V.
Identifiers: ClinVar variation 3777771 (VCV003777771.7).

ClinVar aggregate classification (germline): Likely benign (1 of 4 stars; one submission).

gnomAD v4.1: 711 of 1,610,616 alleles (0.044%); highest among the groups gnomAD compares: Non-Finnish European, 0.052%; no homozygotes.

Submission:

CeGaT Center for Human Genetics Tuebingen
Classification: Likely benign. Last evaluated: 2025-02-01. Review status: criteria provided, single submitter. Criteria: CeGaT Center For Human Genetics Tuebingen Variant Classification Criteria Version 2. Collection method: clinical testing. Allele origin: germline. Affected: yes. Observed: 1 variant allele.
Comment: KDM4B: BP4, BS2